The following is an entry in ClinVar:

ClinVar aggregate classification (germline): Pathogenic (1 of 4 stars; one submission).

Submission:

Labcorp Genetics (formerly Invitae), Labcorp
Classification: Pathogenic. Last evaluated: 2023-06-02. Review status: criteria provided, single submitter. Criteria: Invitae Variant Classification Sherloc (09022015). Collection method: clinical testing. Allele origin: germline.
Comment: For these reasons, this variant has been classified as Pathogenic. Algorithms developed to predict the effect of sequence changes on RNA splicing suggest that this variant may disrupt the consensus splice site. Disruption of this splice site has been observed in individual(s) with deafness (PMID: 34265623). It has also been observed to segregate with disease in related individuals. This variant is not present in population databases (gnomAD no frequency). This sequence change affects a donor splice site in intron 16 of the MYO15A gene. It is expected to disrupt RNA splicing. Variants that disrupt the donor or acceptor splice site typically lead to a loss of protein function (PMID: 16199547), and loss-of-function variants in MYO15A are known to be pathogenic (PMID: 17546645).

Literature cited by the submitters: PubMed 34265623; PubMed 16199547; PubMed 17546645.

NM_016239.4(MYO15A):c.4875+2T>G

Gene: MYO15A (myosin XVA; plus strand). Cytogenetic location: 17p11.2.
Variant type: single nucleotide variant.
Coding change: c.4875+2T>G on transcript NM_016239.4 (MANE Select); the canonical splice donor site of the intron after coding-DNA position 4875, T replaced by G.
Molecular consequence: splice donor variant.
Genome position (GRCh38, 1-based): chr17:18,137,681, T>G. VCF-style: chr17-18137681-T-G. GRCh37 (hg19) VCF-style: chr17-18040995-T-G.
Identifiers: ClinVar variation 2759257 (VCV002759257.3), dbSNP rs2046303728, ClinGen allele CA398596953.
Genomic context (GRCh38, chr17:18,137,681, plus strand): 5'-ACTACGCAAACGAGAACCTTCAGTACCTTTTCAACAAGATCGTCTTCCAGGAGGAGCAGG[T>G]GTGTGGGCCCCATTAATACTCCTGTCCCTGTCTTGACTGGCCAGTGGACCTCCTTGGAGA-3'